The following is an entry in ClinVar:

ClinVar aggregate classification (germline): Likely pathogenic (1 of 4 stars; one submission).

Conditions:
Dilated cardiomyopathy 1G (CMD1G). Identifiers: Orphanet 154, MedGen C1858763, MONDO:0011400, OMIM 604145.
Autosomal recessive limb-girdle muscular dystrophy type 2J (LGMDR10). Also called: Limb-girdle muscular dystrophy, type 2J; MUSCULAR DYSTROPHY, LIMB-GIRDLE, AUTOSOMAL RECESSIVE 10. Identifiers: Orphanet 140922, MedGen C1837342, MONDO:0012127, OMIM 608807.

gnomAD v4.1: 6 of 1,613,452 alleles (0.00037%); highest among the groups gnomAD compares: Non-Finnish European, 0.00051%; no homozygotes.

Submission:

Labcorp Genetics (formerly Invitae), Labcorp
Classification: Likely pathogenic for Dilated cardiomyopathy 1G; Autosomal recessive limb-girdle muscular dystrophy type 2J. Last evaluated: 2024-09-25. Review status: criteria provided, single submitter. Criteria: Invitae Variant Classification Sherloc (09022015). Collection method: clinical testing. Allele origin: germline.
Comment: This sequence change creates a premature translational stop signal (p.Trp29654*) in the TTN gene. While this is not anticipated to result in nonsense mediated decay, it is expected to create a truncated TTN protein. This variant is not present in population databases (gnomAD no frequency). This premature translational stop signal has been observed in individual(s) with dilated cardiomyopathy (PMID: 25163546, 31112426). This variant is located in the A band of TTN (PMID: 25589632). Truncating variants in this region are significantly overrepresented in patients affected with dilated cardiomyopathy (PMID: 25589632). Truncating variants in this region have also been reported in individuals affected with autosomal recessive centronuclear myopathy (PMID: 23975875). In summary, the currently available evidence indicates that the variant is pathogenic, but additional data are needed to prove that conclusively. Therefore, this variant has been classified as Likely Pathogenic.

Literature cited by the submitters: PubMed 25163546; PubMed 31112426; PubMed 25589632; PubMed 23975875.

NM_001267550.2(TTN):c.88962G>A (p.Trp29654Ter)

Genes: TTN (titin; minus strand), TTN-AS1 (TTN antisense RNA 1; plus strand). Cytogenetic location: 2q31.2.
Variant type: single nucleotide variant.
Coding change: c.88962G>A on transcript NM_001267550.2 (MANE Select); coding-DNA position 88962, G replaced by A.
Protein change: p.Trp29654Ter; replaces tryptophan 29654 with a stop codon.
Molecular consequence: nonsense.
Genome position (GRCh38, 1-based): chr2:178,554,149, C>T on the plus strand (G>A on the coding strand, the complement: TTN is on the minus strand). VCF-style: chr2-178554149-C-T. GRCh37 (hg19) VCF-style: chr2-179418876-C-T.
Other names: c.84039G>A, p.Trp28013Ter (NM_001256850.1); c.61767G>A, p.Trp20589Ter (NM_003319.4); c.81258G>A, p.Trp27086Ter (NM_133378.4); c.62142G>A, p.Trp20714Ter (NM_133432.3); c.62343G>A, p.Trp20781Ter (NM_133437.4); short protein forms W20589*, W20714*, W20781*, W27086*, W28013*, W29654*.
Identifiers: ClinVar variation 3759068 (VCV003759068.2).